The following is an entry in ClinVar:

NM_000030.3(AGXT):c.245G>A (p.Gly82Glu)

Gene: AGXT (alanine--glyoxylate aminotransferase; plus strand). Cytogenetic location: 2q37.3.
Variant type: single nucleotide variant.
Coding change: c.245G>A on transcript NM_000030.3 (MANE Select); coding-DNA position 245, G replaced by A.
Protein change: p.Gly82Glu; replaces glycine 82 with glutamic acid.
Molecular consequence: missense variant.
Genome position (GRCh38, 1-based): chr2:240,869,249, G>A. VCF-style: chr2-240869249-G-A. GRCh37 (hg19) VCF-style: chr2-241808666-G-A.
Other names: short protein forms G82E.
Identifiers: ClinVar variation 5643 (VCV000005643.16), dbSNP rs121908522, ClinGen allele CA340442.

ClinVar aggregate classification (germline): Pathogenic. Review status: criteria provided, multiple submitters, no conflicts (2 of 4 stars). 10 submissions from 10 submitters: Pathogenic (5). 5 of the submissions do not count toward it. Last evaluated 2025-01-02.

Conditions:
Primary hyperoxaluria. Identifiers: Orphanet 416, MedGen C0020501, MONDO:0002474.
Primary hyperoxaluria, type I (HP1). Also called: GLYCOLIC ACIDURIA; HEPATIC AGT DEFICIENCY; OXALOSIS I; Primary hyperoxaluria type 1. Identifiers: Orphanet 416, Orphanet 93598, MedGen C0268164, MONDO:0009823, OMIM 259900. Disease mechanism: loss of function.

Allele frequency attached by ClinVar (database versions not stated): gnomAD exomes 0.00001 and 0.00002; TOPMed below 0.00001; ExAC 0.00002.

Submissions (10):

Natera, Inc.
Classification: Pathogenic for Primary hyperoxaluria type I. Last evaluated: 2025-01-02. Review status: criteria provided, single submitter. Criteria: Natera Variant Classification Schema (03/2026). Collection method: clinical testing. Allele origin: germline.
Comment: The c.245G>A variant in AGXT is a missense variant predicted to cause substitution of glycine to glutamic acid at amino acid 82. This variant is rare in the general population with a frequency below the threshold expected for the associated phenotype(s). This variant has been observed in one or more individuals affected with the associated recessive disease, as either homozygous or compound heterozygous with a second variant (PMID: 30655312, 20016466, 11708860). Functional studies show that this variant may disrupt protein function (PMID: 1349575). A different variant at the same position has been determined to be Pathogenic or Likely Pathogenic. Computational prediction algorithms indicate this variant is likely to affect gene or protein function. Given the available evidence, this variant is classified as Pathogenic.

Labcorp Genetics (formerly Invitae), Labcorp
Classification: Pathogenic. Last evaluated: 2023-10-25. Review status: criteria provided, single submitter. Criteria: Invitae Variant Classification Sherloc (09022015). Collection method: clinical testing. Allele origin: germline.
Comment: This sequence change replaces glycine, which is neutral and non-polar, with glutamic acid, which is acidic and polar, at codon 82 of the AGXT protein (p.Gly82Glu). This variant is present in population databases (rs121908522, gnomAD 0.02%). This missense change has been observed in individual(s) with primary hyperoxaluria (PMID: 1349575). This variant is also known as G367A. ClinVar contains an entry for this variant (Variation ID: 5643). Advanced modeling of protein sequence and biophysical properties (such as structural, functional, and spatial information, amino acid conservation, physicochemical variation, residue mobility, and thermodynamic stability) performed at Invitae indicates that this missense variant is expected to disrupt AGXT protein function with a positive predictive value of 80%. Experimental studies have shown that this missense change affects AGXT function (PMID: 10960483, 17696873). This variant disrupts the p.Gly82 amino acid residue in AGXT. Other variant(s) that disrupt this residue have been determined to be pathogenic (PMID: 15253729). This suggests that this residue is clinically significant, and that variants that disrupt this residue are likely to be disease-causing. For these reasons, this variant has been classified as Pathogenic.

MVZ Medizinische Genetik Mainz
Classification: Pathogenic for Primary hyperoxaluria, type I. Last evaluated: 2023-06-02. Review status: criteria provided, single submitter. Criteria: UK Practice Guidelines For Variant Classification V4 01 2020. Collection method: clinical testing. Allele origin: germline. Inheritance: Autosomal recessive inheritance. Affected: yes. Observed: 1 variant allele.
Comment: ACMG Criteria: PS3,PM3,PP3_MOD,PM2_SUP,PP4

Women's Health and Genetics/Laboratory Corporation of America, LabCorp
Classification: Pathogenic for Primary hyperoxaluria. Last evaluated: 2023-05-10. Review status: criteria provided, single submitter. Criteria: LabCorp Variant Classification Summary - May 2015. Collection method: clinical testing. Allele origin: germline.
Comment: Variant summary: AGXT c.245G>A (p.Gly82Glu) results in a non-conservative amino acid change located in the Aminotransferase class V domain (IPR000192) of the encoded protein sequence. Five of five in-silico tools predict a damaging effect of the variant on protein function. The variant allele was found at a frequency of 2e-05 in 251218 control chromosomes (gnomAD). The available data on variant occurrences in the general population are insufficient to allow any conclusion about variant significance. c.245G>A has been reported in the literature in multiple homozygous and compound heterozygous individuals affected with Primary Hyperoxaluria Type 1 (e.g., Purdue_1992, Coulter-Mackie_2001). These data indicate that the variant is very likely to be associated with disease. Several publications report experimental evidence evaluating an impact on protein function, finding that the variant results in less than ~2% of normal catalytic activity in both patient derived samples and in an in vitro expression system (e.g., Purdue_1992, Cellini_2007). The following publications have been ascertained in the context of this evaluation (PMID: 17696873, 11708860, 1349575). Three ClinVar submitters (evaluation after 2014) have cited the variant, and all laboratories classified the variant as pathogenic (n = 2) or likely pathogenic (n = 1). Based on the evidence outlined above, the variant was classified as pathogenic.

Neuberg Centre For Genomic Medicine, NCGM
Classification: Pathogenic for Primary hyperoxaluria, type I. Review status: criteria provided, single submitter. Criteria: ACMG Guidelines, 2015. Collection method: clinical testing. Allele origin: germline. Inheritance: Autosomal recessive inheritance. Affected: yes.
Comment: The observed missense variant c.245G>A (p.Gly82Glu) in gene has been reported in homozygous and compound heterozygous state individuals affected with Hyperoxaluria, primary (Milliner DS et al. 2022; Coulter-Mackie MB et al. 2001). Experimental studies have shown that this missense change affects AGXT function (Cellini B et al. 2007). The p.Gly82Glu variant has allele frequency 0.002% in gnomAD Exomes. This variant has been submitted to the ClinVar database as Likely Pathogenic / Pathogenic (multiple submitters). The amino acid change p.Gly82Glu in AGXT is predicted as conserved by GERP++ and PhyloP across 100 vertebrates. The amino acid Gly at position 82 is changed to a Glu changing protein sequence and it might alter its composition and physico-chemical properties. For these reasons, this variant has been classified as Pathogenic.

Yale Center for Mendelian Genomics, Yale University
Classification: Pathogenic for Primary hyperoxaluria, type I. Last evaluated: 2019-01-17. Review status: no assertion criteria provided. Collection method: literature only. Allele origin: germline. Affected: yes. Observed: 1 homozygote. Study: Yale Center for Mendelian Genomics. Not counted in ClinVar's aggregate classification.

Counsyl
Classification: Likely pathogenic for Primary hyperoxaluria, type I. Last evaluated: 2016-03-07. Review status: no assertion criteria provided. Collection method: clinical testing. Allele origin: unknown. Not counted in ClinVar's aggregate classification.

Clinical Biochemistry Laboratory, Health Services Laboratory
Classification: Pathogenic for Primary hyperoxaluria, type I. Last evaluated: 2014-11-27. Review status: no assertion criteria provided. Collection method: in vitro. Allele origin: germline. Affected: yes. Not counted in ClinVar's aggregate classification.

OMIM
Classification: Pathogenic for HYPEROXALURIA, PRIMARY, TYPE I. Last evaluated: 2000-11-17. Review status: no assertion criteria provided. Collection method: literature only. Allele origin: germline. Not counted in ClinVar's aggregate classification.

GeneReviews
No classification provided. Condition: Primary hyperoxaluria, type I. Review status: no classification provided. Collection method: literature only. Allele origin: germline. Affected: yes. Not counted in ClinVar's aggregate classification.

Literature cited by the submitters: PubMed 30655312 (cited by Natera, Inc. and Yale Center for Mendelian Genomics, Yale University); PubMed 20016466 (cited by Natera, Inc.); PubMed 11708860 (cited by Natera, Inc. and Women's Health and Genetics/Laboratory Corporation of America, LabCorp); PubMed 1349575 (cited by 6 submitters); PubMed 10960483 (cited by 3 submitters); PubMed 17696873 (cited by 3 submitters); PubMed 15253729 (cited by Labcorp Genetics (formerly Invitae), Labcorp); PubMed 18282470 (cited by Counsyl); PubMed 24988064 (cited by Counsyl); NCBI Bookshelf NBK1283 (cited by GeneReviews).